The following is an entry in ClinVar:

NM_001393769.1(MED12L):c.3372T>C (p.Ala1124=)

Genes: MED12L (mediator complex subunit 12L; plus strand), P2RY12 (purinergic receptor P2Y12; minus strand). Cytogenetic location: 3q25.1.
Variant type: single nucleotide variant.
Coding change: c.3372T>C on transcript NM_001393769.1 (MANE Select); coding-DNA position 3372, T replaced by C.
Protein change: p.Ala1124=; no amino-acid change (alanine 1124 retained).
Molecular consequence: synonymous variant. On other transcripts: intron variant (1).
Genome position (GRCh38, 1-based): chr3:151,367,690, T>C. VCF-style: chr3-151367690-T-C. GRCh37 (hg19) VCF-style: chr3-151085478-T-C.
Other names: c.3267T>C, p.Ala1089= (NM_053002.6); c.-180+17002A>G (NM_022788.5).
Identifiers: ClinVar variation 4891113 (VCV004891113.1).
Genomic context (GRCh38, chr3:151,367,690, plus strand): 5'-AATGTTTTTCTTGAAGGTGAGTGACCTTTCATTCCATGATTCATTAGCTACTTTCATTGC[T>C]ATTCTGATAGCACGACAGTGTTTTTCCCTGGAGGACGTCGTGCAGCATGTCGCACTTCCC-3'
Protein context (NP_001380698.1, residues 1114-1134): SFHDSLATFI[Ala1124=]ILIARQCFSL

ClinVar aggregate classification (germline): Uncertain significance (1 of 4 stars; one submission).

Submission:

Greenwood Genetic Center Diagnostic Laboratories, Greenwood Genetic Center
Classification: Uncertain significance. Last evaluated: 2026-06-01. Review status: criteria provided, single submitter. Criteria: ACMG Guidelines, 2015. Collection method: clinical testing. Allele origin: germline.
Comment: PM2, PP3